The following is an entry in ClinVar:

NM_016292.3(TRAP1):c.1166-4C>T

Gene: TRAP1 (TNF receptor associated protein 1; minus strand). Cytogenetic location: 16p13.3.
Variant type: single nucleotide variant.
Coding change: c.1166-4C>T on transcript NM_016292.3 (MANE Select); 4 bases into the intron before coding-DNA position 1166, C replaced by T.
Molecular consequence: intron variant.
Genome position (GRCh38, 1-based): chr16:3,671,795, G>A on the plus strand (C>T on the coding strand, the complement: TRAP1 is on the minus strand). VCF-style: chr16-3671795-G-A. GRCh37 (hg19) VCF-style: chr16-3721796-G-A.
Other names: c.1007-4C>T (NM_001272049.2).
Identifiers: ClinVar variation 3356972 (VCV003356972.1).
Genomic context (GRCh38, chr16:3,671,795, plus strand): 5'-TCTCCTGCAGCAGCTCCCGGCTGAGGTTCAGGGGAATGTCCTCACTGTCCACCACACCTG[G>A]GAGACACGGCAGTCAGCTTCTCCCGGGGCTGCGGCCCTCCACACCACCCAACATTCCCCA-3'

ClinVar aggregate classification (germline): Likely benign (0 of 4 stars; one submission).

Conditions:
TRAP1-related disorder. Also called: TRAP1-related condition.

gnomAD v4.1: 14 of 1,611,540 alleles (0.00087%); highest among the groups gnomAD compares: Admixed American, 0.0067%; no homozygotes.

Submission:

PreventionGenetics, part of Exact Sciences
Classification: Likely benign for TRAP1-related condition. Last evaluated: 2024-07-15. Review status: no assertion criteria provided. Collection method: clinical testing. Allele origin: germline.
Comment: This variant is classified as likely benign based on ACMG/AMP sequence variant interpretation guidelines (Richards et al. 2015 PMID: 25741868, with internal and published modifications).